The following is an entry in ClinVar:

ClinVar aggregate classification (germline): Uncertain significance (1 of 4 stars; one submission).

Submission:

Labcorp Genetics (formerly Invitae), Labcorp
Classification: Uncertain significance. Last evaluated: 2025-03-13. Review status: criteria provided, single submitter. Criteria: Invitae Variant Classification Sherloc (09022015). Collection method: clinical testing. Allele origin: germline.
Comment: This sequence change replaces asparagine, which is neutral and polar, with lysine, which is basic and polar, at codon 1615 of the KMT2A protein (p.Asn1615Lys). This variant is not present in population databases (gnomAD no frequency). This variant has not been reported in the literature in individuals affected with KMT2A-related conditions. Invitae Evidence Modeling of protein sequence and biophysical properties (such as structural, functional, and spatial information, amino acid conservation, physicochemical variation, residue mobility, and thermodynamic stability) indicates that this missense variant is not expected to disrupt KMT2A protein function with a negative predictive value of 95%. In summary, the available evidence is currently insufficient to determine the role of this variant in disease. Therefore, it has been classified as a Variant of Uncertain Significance.

NM_001197104.2(KMT2A):c.4845T>A (p.Asn1615Lys)

Gene: KMT2A (lysine methyltransferase 2A; plus strand). Cytogenetic location: 11q23.3.
Variant type: single nucleotide variant.
Coding change: c.4845T>A on transcript NM_001197104.2 (MANE Select); coding-DNA position 4845, T replaced by A.
Protein change: p.Asn1615Lys; replaces asparagine 1615 with lysine.
Molecular consequence: missense variant.
Genome position (GRCh38, 1-based): chr11:118,491,769, T>A. VCF-style: chr11-118491769-T-A. GRCh37 (hg19) VCF-style: chr11-118362484-T-A.
Other names: c.4935T>A, p.Asn1645Lys (NM_001412597.1); c.4836T>A, p.Asn1612Lys (NM_005933.4); short protein forms N1612K, N1615K, N1645K.
Identifiers: ClinVar variation 4800537 (VCV004800537.1).